The following is an entry in ClinVar:

NM_002693.3(POLG):c.3104+2_3104+5del

Gene: POLG (DNA polymerase gamma, catalytic subunit; minus strand). Cytogenetic location: 15q26.1.
Variant type: Deletion.
Coding change: c.3104+2_3104+5del on transcript NM_002693.3 (MANE Select); the canonical splice donor site of the intron after coding-DNA position 3104 through 5 bases into the intron after coding-DNA position 3104, 4 bases deleted (TAAG; older notation c.3104+2_3104+5delTAAG).
Molecular consequence: splice donor variant.
Genome position (GRCh38, 1-based): chr15:89,319,223-89,319,226, CTTA deleted on the plus strand (TAAG on the coding strand, the reverse complement: POLG is on the minus strand); deleting any 4 consecutive bases within chr15:89,319,223-89,319,229 gives the same sequence; the c. name uses the placement nearest the transcript's 3' end. VCF-style (leftmost placement, unchanged base first): chr15-89319222-TCTTA-T. GRCh37 (hg19) VCF-style: chr15-89862453-TCTTA-T.
Other names: c.3104+2_3104+5del (NM_001126131.2).
Identifiers: ClinVar variation 1163576 (VCV001163576.11), dbSNP rs761664802, ClinGen allele CA7724255.

ClinVar aggregate classification (germline): Pathogenic/Likely pathogenic. Review status: criteria provided, multiple submitters, no conflicts (2 of 4 stars). 4 submissions from 4 submitters: Pathogenic (1); Likely pathogenic (3). Last evaluated 2024-06-05.

Conditions:
Progressive sclerosing poliodystrophy (MTDPS4A). Also called: ALPERS PROGRESSIVE INFANTILE POLIODYSTROPHY; Alpers-Huttenlocher Syndrome (AHS); NEURONAL DEGENERATION OF CHILDHOOD WITH LIVER DISEASE, PROGRESSIVE; Mitochondrial DNA depletion syndrome 4A (Alpers type); Mitochondrial DNA Depletion Syndrome 4A; Alpers Syndrome. Identifiers: Orphanet 726, MedGen C0205710, MONDO:0008758, OMIM 203700.
Progressive external ophthalmoplegia with mitochondrial DNA deletions, autosomal dominant 1 (PEOA1). Also called: Autosomal Dominant Progressive External Ophthalmoplegia (adPEO); PROGRESSIVE EXTERNAL OPHTHALMOPLEGIA, AUTOSOMAL DOMINANT 1. Identifiers: MedGen C1834846, MONDO:0024528, OMIM 157640.
Mitochondrial DNA depletion syndrome 4b. Also called: Mitochondrial Neurogastrointestinal Encephalopathy Disease, POLG-Related; MNGIE, POLG-RELATED. Identifiers: Orphanet 298, MedGen C3150914, MONDO:0013350, OMIM 613662.
Sensory ataxic neuropathy, dysarthria, and ophthalmoparesis (SANDO). Also called: SENSORY ATAXIC NEUROPATHY WITH MITOCHONDRIAL DNA DELETIONS, AUTOSOMAL RECESSIVE; Ataxia Neuropathy Spectrum (ANS); Sensory ataxic neuropathy-dysarthria-ophthalmoparesis syndrome; Epilepsy, progressive myoclonic, type 5. Identifiers: Orphanet 70595, MedGen C1843851, MONDO:0011835, OMIM 607459.
Progressive external ophthalmoplegia with mitochondrial DNA deletions, autosomal recessive 1 (PEOB1). Also called: Progressive external ophthalmoplegia, autosomal recessive 1; Autosomal Recessive Progressive External Ophthalmoplegia (arPEO). Identifiers: Orphanet 254886, MedGen C4225153, MONDO:0009783, OMIM 258450.

Submissions (4):

Fulgent Genetics
Classification: Likely pathogenic for Progressive external ophthalmoplegia with mitochondrial DNA deletions, autosomal dominant 1; Progressive sclerosing poliodystrophy; Progressive external ophthalmoplegia with mitochondrial DNA deletions, autosomal recessive 1; Sensory ataxic neuropathy, dysarthria, and ophthalmoparesis; Mitochondrial DNA depletion syndrome 4b. Last evaluated: 2024-06-05. Review status: criteria provided, single submitter. Criteria: ACMG Guidelines, 2015. Collection method: clinical testing. Allele origin: germline.

Labcorp Genetics (formerly Invitae), Labcorp
Classification: Likely pathogenic for Progressive sclerosing poliodystrophy. Last evaluated: 2023-12-01. Review status: criteria provided, single submitter. Criteria: Invitae Variant Classification Sherloc (09022015). Collection method: clinical testing. Allele origin: germline.
Comment: This sequence change affects a splice site in intron 19 of the POLG gene. It is expected to disrupt RNA splicing. Variants that disrupt the donor or acceptor splice site typically lead to a loss of protein function (PMID: 16199547), and loss-of-function variants in POLG are known to be pathogenic (PMID: 18546365). This variant is present in population databases (rs761664802, gnomAD 0.007%). This variant has not been reported in the literature in individuals affected with POLG-related conditions. ClinVar contains an entry for this variant (Variation ID: 1163576). Algorithms developed to predict the effect of sequence changes on RNA splicing suggest that this variant may disrupt the consensus splice site. In summary, the currently available evidence indicates that the variant is pathogenic, but additional data are needed to prove that conclusively. Therefore, this variant has been classified as Likely Pathogenic.

3billion
Classification: Pathogenic for Progressive sclerosing poliodystrophy. Last evaluated: 2023-10-17. Review status: criteria provided, single submitter. Criteria: ACMG Guidelines, 2015. Collection method: clinical testing. Allele origin: germline. Affected: yes.
Comment: The variant is observed at an extremely low frequency in the gnomAD v2.1.1 dataset (total allele frequency: 0.0003%). Predicted Consequence/Location: Canonical splice site: predicted to alter splicing and result in a loss or disruption of normal protein function. Multiple pathogenic loss-of-function variants are reported downstream of the variant. The variant has been reported at least twice as pathogenic without evidence for the classification (ClinVar ID: VCV001163576). Therefore, this variant is classified as Pathogenic according to the recommendation of ACMG/AMP guideline.

Mayo Clinic Laboratories, Mayo Clinic
Classification: Likely pathogenic. Last evaluated: 2020-10-12. Review status: criteria provided, single submitter. Criteria: ACMG Guidelines, 2015. Collection method: clinical testing. Allele origin: germline. Observed: 1 variant allele.
Comment: PVS1_strong, PM2

Literature cited by the submitters: PubMed 16199547 (cited by Labcorp Genetics (formerly Invitae), Labcorp); PubMed 18546365 (cited by Labcorp Genetics (formerly Invitae), Labcorp).